The following is an entry in ClinVar:

NM_004187.5(KDM5C):c.893T>A (p.Leu298Gln)

Gene: KDM5C (lysine demethylase 5C; minus strand). Cytogenetic location: Xp11.22.
Variant type: single nucleotide variant.
Coding change: c.893T>A on transcript NM_004187.5 (MANE Select); coding-DNA position 893, T replaced by A.
Protein change: p.Leu298Gln; replaces leucine 298 with glutamine.
Molecular consequence: missense variant. On other transcripts: non-coding transcript variant (3).
Genome position (GRCh38, 1-based): chrX:53,215,865, A>T on the plus strand (T>A on the coding strand, the complement: KDM5C is on the minus strand). VCF-style: chrX-53215865-A-T. GRCh37 (hg19) VCF-style: chrX-53245047-A-T.
Other names: c.890T>A, p.Leu297Gln (NM_001353982.2, NM_001282622.3, NM_001353979.2); c.893T>A, p.Leu298Gln (NM_001353984.2, NM_001353978.3, NM_001353981.2); c.692T>A, p.Leu231Gln (NM_001146702.2); short protein forms L297Q, L298Q, L231Q.
Identifiers: ClinVar variation 1028701 (VCV001028701.1), dbSNP rs137861376, ClinGen allele CA329173730.

ClinVar aggregate classification (germline): Uncertain significance (1 of 4 stars; one submission).

Conditions:
Intellectual developmental disorder, X-linked, syndromic, Claes-Jensen type. Also called: Syndromic X-linked intellectual disability Claes-Jensen type; INTELLECTUAL DEVELOPMENTAL DISORDER, X-LINKED, SYNDROMIC 16; MENTAL RETARDATION, X-LINKED, SYNDROMIC 16. Identifiers: Orphanet 85279, MedGen C1845243, MONDO:0010355, OMIM 300534.

Allele frequency attached by ClinVar (database versions not stated): gnomAD exomes below 0.00001; ESP Exome Variant Server 0.00009; gnomAD 0.00001.
gnomAD v4.1: 4 of 1,209,847 alleles (0.00033%); highest among the groups gnomAD compares: Non-Finnish European, 0.00034%; no homozygotes.

Submission:

Baylor Genetics
Classification: Uncertain significance for Intellectual developmental disorder, X-linked, syndromic, Claes-Jensen type. Last evaluated: 2020-08-05. Review status: criteria provided, single submitter. Criteria: ACMG Guidelines, 2015. Collection method: clinical testing. Allele origin: unknown. Affected: yes.
Comment: This variant was determined to be of uncertain significance according to ACMG Guidelines, 2015 [PMID:25741868].